The following is an entry in ClinVar:

NM_001358530.2(MOCS1):c.1889G>A (p.Arg630Gln)

Gene: MOCS1 (molybdenum cofactor synthesis 1; minus strand). Cytogenetic location: 6p21.2.
Variant type: single nucleotide variant.
Coding change: c.1889G>A on transcript NM_001358530.2 (MANE Select); coding-DNA position 1889, G replaced by A.
Protein change: p.Arg630Gln; replaces arginine 630 with glutamine.
Molecular consequence: missense variant. On other transcripts: 3 prime UTR variant (4), non-coding transcript variant (1).
Genome position (GRCh38, 1-based): chr6:39,906,379, C>T on the plus strand (G>A on the coding strand, the complement: MOCS1 is on the minus strand). VCF-style: chr6-39906379-C-T. GRCh37 (hg19) VCF-style: chr6-39874155-C-T.
Other names: c.*746G>A (NM_001075098.4, NM_001358533.2, NM_001358534.2 and 1 more transcripts); c.1841G>A, p.Arg614Gln (NM_001358529.2); c.1628G>A, p.Arg543Gln (NM_001358531.2); short protein forms R614Q, R630Q, R543Q.
Identifiers: ClinVar variation 1975427 (VCV001975427.3), dbSNP rs375813466, ClinGen allele CA3795866.
Genomic context (GRCh38, chr6:39,906,379, plus strand): 5'-TCCAGGCCTGGGTGGGCCATGGGTGAGAAGGGCAGGTGCTAAGCCCGATGGAAGTCCCCC[C>T]GCTGACCACCAGTCTTGCTAATGAGCTTGATCTCCTCCAACACGATGTCCCTGCTGACAG-3'
Protein context (NP_001345459.1, residues 620-636): IKLISKTGGQ[Arg630Gln]GDFHRA

ClinVar aggregate classification (germline): Uncertain significance. Review status: criteria provided, multiple submitters, no conflicts (2 of 4 stars). 2 submissions from 2 submitters: Uncertain significance (2). Last evaluated 2024-02-26.

Conditions:
Sulfite oxidase deficiency due to molybdenum cofactor deficiency type A. Also called: Molybdenum cofactor deficiency, complementation group A; Molybdenum Cofactor Deficiency A. Identifiers: Orphanet 308386, Orphanet 833, MedGen C1854988, MONDO:0009643, OMIM 252150.

Allele frequency attached by ClinVar (database versions not stated): 1000 Genomes Project 30x 0.00016; 1000 Genomes Project 0.00020; ESP Exome Variant Server 0.00023.
gnomAD v4.1: 35 of 1,596,406 alleles (0.0022%); highest among the groups gnomAD compares: African/African-American, 0.028%; no homozygotes.

Submissions (2):

GeneDx
Classification: Uncertain significance. Last evaluated: 2024-02-26. Review status: criteria provided, single submitter. Criteria: GeneDx Variant Classification Process June 2021. Collection method: clinical testing. Allele origin: germline. Affected: yes.
Comment: In silico analysis supports that this missense variant does not alter protein structure/function; Has not been previously published as pathogenic or benign to our knowledge; Reported using an alternate transcript of the gene

Labcorp Genetics (formerly Invitae), Labcorp
Classification: Uncertain significance for Sulfite oxidase deficiency due to molybdenum cofactor deficiency type A. Last evaluated: 2022-06-11. Review status: criteria provided, single submitter. Criteria: Invitae Variant Classification Sherloc (09022015). Collection method: clinical testing. Allele origin: germline.
Comment: This sequence change replaces arginine, which is basic and polar, with glutamine, which is neutral and polar, at codon 630 of the MOCS1 protein (p.Arg630Gln). This variant is present in population databases (rs375813466, gnomAD 0.05%). This variant has not been reported in the literature in individuals affected with MOCS1-related conditions. Algorithms developed to predict the effect of missense changes on protein structure and function are either unavailable or do not agree on the potential impact of this missense change (SIFT: "Not Available"; PolyPhen-2: "Possibly Damaging"; Align-GVGD: "Not Available"). In summary, the available evidence is currently insufficient to determine the role of this variant in disease. Therefore, it has been classified as a Variant of Uncertain Significance.